The following is an entry in ClinVar:

ClinVar aggregate classification (germline): Benign. Review status: criteria provided, multiple submitters, no conflicts (2 of 4 stars). 5 submissions from 5 submitters: Benign (3). 2 of the submissions do not count toward it. Last evaluated 2026-02-01.

Allele frequency attached by ClinVar (database versions not stated): 1000 Genomes Project 30x 0.00219; 1000 Genomes Project 0.00260; TOPMed 0.00320; ExAC 0.00455; gnomAD 0.00470 and 0.00490; gnomAD exomes 0.00484 and 0.00576; ESP Exome Variant Server 0.00515.

Submissions (5):

Labcorp Genetics (formerly Invitae), Labcorp
Classification: Benign. Last evaluated: 2026-02-01. Review status: criteria provided, single submitter. Criteria: Invitae Variant Classification Sherloc (09022015). Collection method: clinical testing. Allele origin: germline.

CeGaT Center for Human Genetics Tuebingen
Classification: Benign. Last evaluated: 2022-03-01. Review status: criteria provided, single submitter. Criteria: CeGaT Center For Human Genetics Tuebingen Variant Classification Criteria Version 2. Collection method: clinical testing. Allele origin: germline. Affected: yes. Observed: 1 variant allele.
Comment: PRPF4: BS1, BS2

Breakthrough Genomics
Classification: Benign. Review status: criteria provided, single submitter. Criteria: ACMG Guidelines, 2015. Collection method: not provided. Allele origin: germline. Inheritance: Autosomal dominant inheritance. Affected: yes.

Clinical Genetics DNA and cytogenetics Diagnostics Lab, Erasmus MC, Erasmus Medical Center
Classification: Likely benign. Review status: no assertion criteria provided. Collection method: clinical testing. Allele origin: germline. Affected: yes. Study: VKGL Data-share Consensus. Not counted in ClinVar's aggregate classification.

Clinical Genetics, Academic Medical Center
Classification: Benign. Review status: no assertion criteria provided. Collection method: clinical testing. Allele origin: germline. Affected: yes. Study: VKGL Data-share Consensus. Not counted in ClinVar's aggregate classification.

NM_001244926.2(PRPF4):c.230A>G (p.His77Arg)

Gene: PRPF4 (pre-mRNA splicing tri-snRNP complex factor PRPF4; plus strand). Cytogenetic location: 9q32.
Variant type: single nucleotide variant.
Coding change: c.230A>G on transcript NM_001244926.2 (MANE Select); coding-DNA position 230, A replaced by G.
Protein change: p.His77Arg; replaces histidine 77 with arginine.
Molecular consequence: missense variant. On other transcripts: 5 prime UTR variant (2), non-coding transcript variant (2).
Genome position (GRCh38, 1-based): chr9:113,278,969, A>G. VCF-style: chr9-113278969-A-G. GRCh37 (hg19) VCF-style: chr9-116041249-A-G.
Other names: c.-536A>G (NM_001322266.2, NM_001322267.2); c.233A>G, p.His78Arg (NM_004697.5); short protein forms H77R, H78R.
Identifiers: ClinVar variation 788648 (VCV000788648.38), dbSNP rs1138958, ClinGen allele CA5194815.
Genomic context (GRCh38, chr9:113,278,969, plus strand): 5'-AAGATCTGCTGATGTTGCCTGTTTTCTTTTTAATAGGAGAAGTGTTTGAAATTGAAGAGC[A>G]TATCAGCGAGCGACAGGCAGAAGTATTGGCTGAGTTTGAGAGAAGGAAGCGAGCCCGGCA-3'
Protein context (NP_001231855.1, residues 67-87): TSGEVFEIEE[His77Arg]ISERQAEVLA